The following is an entry in ClinVar:

NM_212550.5(BLOC1S3):c.365A>G (p.His122Arg)

Gene: BLOC1S3 (biogenesis of lysosomal organelles complex 1 subunit 3; plus strand). Cytogenetic location: 19q13.32.
Variant type: single nucleotide variant.
Coding change: c.365A>G on transcript NM_212550.5 (MANE Select); coding-DNA position 365, A replaced by G.
Protein change: p.His122Arg; replaces histidine 122 with arginine.
Molecular consequence: missense variant.
Genome position (GRCh38, 1-based): chr19:45,179,661, A>G. VCF-style: chr19-45179661-A-G. GRCh37 (hg19) VCF-style: chr19-45682919-A-G.
Other names: short protein forms H122R.
Identifiers: ClinVar variation 1362334 (VCV001362334.8), dbSNP rs2122881942, ClinGen allele CA406344669.
Genomic context (GRCh38, chr19:45,179,661, plus strand): 5'-CCGCCCCCGCGCGCTCGCTCCTGCAACTTCGGCTGGCGGAGAGCCAGGCGCGGCTGGACC[A>G]CGACGTGGCGGCCGCCGTGAGCGGTGTCTACCGCCGTGCAGGCCGCGACGTGGCCGCCCT-3'
Protein context (NP_997715.1, residues 112-132): RLAESQARLD[His122Arg]DVAAAVSGVY

ClinVar aggregate classification (germline): Uncertain significance (1 of 4 stars; one submission).

Submission:

Labcorp Genetics (formerly Invitae), Labcorp
Classification: Uncertain significance. Last evaluated: 2024-02-05. Review status: criteria provided, single submitter. Criteria: Invitae Variant Classification Sherloc (09022015). Collection method: clinical testing. Allele origin: germline.
Comment: This sequence change replaces histidine, which is basic and polar, with arginine, which is basic and polar, at codon 122 of the BLOC1S3 protein (p.His122Arg). This variant is not present in population databases (gnomAD no frequency). This variant has not been reported in the literature in individuals affected with BLOC1S3-related conditions. ClinVar contains an entry for this variant (Variation ID: 1362334). An algorithm developed to predict the effect of missense changes on protein structure and function (PolyPhen-2) suggests that this variant is likely to be disruptive. In summary, the available evidence is currently insufficient to determine the role of this variant in disease. Therefore, it has been classified as a Variant of Uncertain Significance.